The following is an entry in ClinVar:

NM_004369.4(COL6A3):c.8568-10G>C

Gene: COL6A3 (collagen type VI alpha 3 chain; minus strand). Cytogenetic location: 2q37.3.
Variant type: single nucleotide variant.
Coding change: c.8568-10G>C on transcript NM_004369.4 (MANE Select); 10 bases into the intron before coding-DNA position 8568, G replaced by C.
Molecular consequence: intron variant.
Genome position (GRCh38, 1-based): chr2:237,336,542, C>G on the plus strand (G>C on the coding strand, the complement: COL6A3 is on the minus strand). VCF-style: chr2-237336542-C-G. GRCh37 (hg19) VCF-style: chr2-238245185-C-G.
Other names: c.6747-10G>C (NM_057166.5); c.7950-10G>C (NM_057167.4).
Identifiers: ClinVar variation 3050682 (VCV003050682.2), dbSNP rs961477831, ClinGen allele CA2663791461.

ClinVar aggregate classification (germline): Likely benign (0 of 4 stars; one submission).

Conditions:
COL6A3-related disorder. Also called: COL6A3-related condition; COL6A3-related disorders.

gnomAD v4.1: 4 of 1,613,562 alleles (0.00025%); highest among the groups gnomAD compares: Non-Finnish European, 0.00034%; no homozygotes.

Submission:

PreventionGenetics, part of Exact Sciences
Classification: Likely benign for COL6A3-related condition. Last evaluated: 2019-07-10. Review status: no assertion criteria provided. Collection method: clinical testing. Allele origin: germline.
Comment: This variant is classified as likely benign based on ACMG/AMP sequence variant interpretation guidelines (Richards et al. 2015 PMID: 25741868, with internal and published modifications).